The following is an entry in ClinVar:

ClinVar aggregate classification (germline): Conflicting classifications of pathogenicity. Review status: criteria provided, conflicting classifications (1 of 4 stars). 7 submissions from 7 submitters: Uncertain significance (3); Likely benign (4). Last evaluated 2026-04-22.

Conditions:
Hereditary cancer-predisposing syndrome. Also called: Hereditary neoplastic syndrome; Hereditary Cancer Syndrome; Neoplastic Syndromes, Hereditary; Tumor predisposition. Identifiers: Orphanet 140162, MedGen C0027672, MeSH D009386, MONDO:0015356.
Tuberous sclerosis 1 (TSC1). Identifiers: Orphanet 805, MedGen C1854465, MONDO:0008612, OMIM 191100.
Tuberous sclerosis syndrome (TSC). Also called: Tuberous Sclerosis Complex; Tuberous sclerosis. Identifiers: Orphanet 805, MedGen C0041341, MONDO:0001734.

Allele frequency attached by ClinVar (database versions not stated): TOPMed 0.00002.

Submissions (7):

Women's Health and Genetics/Laboratory Corporation of America, LabCorp
Classification: Likely benign. Last evaluated: 2026-04-22. Review status: criteria provided, single submitter. Criteria: LabCorp Variant Classification Summary - May 2015. Collection method: clinical testing. Allele origin: germline.
Comment: Variant summary: TSC1 c.1332A>C (p.Ser444Ser) alters a non-conserved nucleotide located close to a canonical splice site and therefore could affect mRNA splicing, leading to a significantly altered protein sequence. Several computational tools predict a significant impact on normal splicing: Four predict the variant weakens a 5' donor site. RNA splicing evidence from patient sample(s) suggests this variant has no impact on splicing (internal data). The variant was absent in 251324 control chromosomes. The available data on variant occurrences in the general population are insufficient to allow any conclusion about variant significance. To our knowledge, no occurrence of c.1332A>C in individuals affected with TSC1-related conditions and no experimental evidence demonstrating its impact on protein function have been reported. ClinVar contains an entry for this variant (Variation ID: 534462). Based on the evidence outlined above, the variant was classified as likely benign.

Labcorp Genetics (formerly Invitae), Labcorp
Classification: Likely benign for Tuberous sclerosis 1. Last evaluated: 2026-01-26. Review status: criteria provided, single submitter. Criteria: Invitae Variant Classification Sherloc (09022015). Collection method: clinical testing. Allele origin: germline.

Color Diagnostics, LLC DBA Color Health
Classification: Likely benign for Tuberous sclerosis syndrome. Last evaluated: 2025-06-23. Review status: criteria provided, single submitter. Criteria: ACMG Guidelines, 2015. Collection method: clinical testing. Allele origin: germline.

Ambry Genetics
Classification: Likely benign for Hereditary cancer-predisposing syndrome. Last evaluated: 2023-10-12. Review status: criteria provided, single submitter. Criteria: Ambry Variant Classification Scheme 2023. Collection method: clinical testing. Allele origin: germline.

All of Us Research Program, National Institutes of Health
Classification: Uncertain significance for Tuberous sclerosis syndrome. Last evaluated: 2023-06-26. Review status: criteria provided, single submitter. Criteria: ACMG Guidelines, 2015. Collection method: clinical testing. Allele origin: germline. Inheritance: Autosomal dominant inheritance. Observed: 1 variant allele, 1 heterozygote.
Comment: This synonymous variant causes a nucleotide substitution but does not change the encoded amino acid at codon 444 of the TSC1 protein. Splice site prediction tools suggest that this variant may impact RNA splicing. To our knowledge, functional studies have not been reported for this variant. This variant has not been reported in individuals affected with TSC1-related disorders in the literature. This variant has not been identified in the general population by the Genome Aggregation Database (gnomAD). The available evidence is insufficient to determine the role of this variant in disease conclusively. Therefore, this variant is classified as a Variant of Uncertain Significance.

This study involves interpretation of variants in research participants for the purpose of population health screening. Participant phenotype was not available at the time of variant classification. Additional details can be found in publication PMID: 35346344, PMCID: PMC8962531

Genome-Nilou Lab
Classification: Uncertain significance for Tuberous sclerosis 1. Last evaluated: 2021-11-07. Review status: criteria provided, single submitter. Criteria: ACMG Guidelines, 2015. Collection method: clinical testing. Allele origin: germline. Affected: no.

GeneDx
Classification: Uncertain significance. Last evaluated: 2019-08-15. Review status: criteria provided, single submitter. Criteria: GeneDx Variant Classification Process June 2021. Collection method: clinical testing. Allele origin: germline. Affected: yes.
Comment: Not observed in large population cohorts (Lek et al., 2016); In silico analysis, which includes splice predictors and evolutionary conservation, supports a deleterious effect; Has not been previously published as pathogenic or benign to our knowledge

NM_000368.5(TSC1):c.1332A>C (p.Ser444=)

Gene: TSC1 (TSC complex subunit 1; minus strand). Cytogenetic location: 9q34.13.
Variant type: single nucleotide variant.
Coding change: c.1332A>C on transcript NM_000368.5 (MANE Select); coding-DNA position 1332, A replaced by C.
Protein change: p.Ser444=; no amino-acid change (serine 444 retained).
Molecular consequence: synonymous variant.
Genome position (GRCh38, 1-based): chr9:132,907,302, T>G on the plus strand (A>C on the coding strand, the complement: TSC1 is on the minus strand). VCF-style: chr9-132907302-T-G. GRCh37 (hg19) VCF-style: chr9-135782689-T-G.
Other names: c.1329A>C, p.Ser443= (NM_001162426.2); c.1179A>C, p.Ser393= (NM_001162427.2); c.969A>C, p.Ser323= (NM_001362177.2).
Identifiers: ClinVar variation 534462 (VCV000534462.16), dbSNP rs773003016, ClinGen allele CA467592067.